The following is an entry in ClinVar:

NM_014727.3(KMT2B):c.6958G>A (p.Gly2320Arg)

Gene: KMT2B (lysine methyltransferase 2B; plus strand). Cytogenetic location: 19q13.12.
Variant type: single nucleotide variant.
Coding change: c.6958G>A on transcript NM_014727.3 (MANE Select); coding-DNA position 6958, G replaced by A.
Protein change: p.Gly2320Arg; replaces glycine 2320 with arginine.
Molecular consequence: missense variant.
Genome position (GRCh38, 1-based): chr19:35,733,507, G>A. VCF-style: chr19-35733507-G-A. GRCh37 (hg19) VCF-style: chr19-36224408-G-A.
Other names: short protein forms G2320R.
Identifiers: ClinVar variation 761524 (VCV000761524.26), dbSNP rs142520534, ClinGen allele CA9385789.

ClinVar aggregate classification (germline): Likely benign. Review status: criteria provided, multiple submitters, no conflicts (2 of 4 stars). 3 submissions from 3 submitters: Likely benign (2). 1 of the submissions does not count toward it. Last evaluated 2025-09-22.

Conditions:
KMT2B-related disorder. Also called: KMT2B-related condition; KMT2B-related disorders. Identifiers: MedGen CN381338.

Allele frequency attached by ClinVar (database versions not stated): gnomAD exomes 0.00006 and 0.00017; ESP Exome Variant Server 0.00033; ExAC 0.00040; TOPMed 0.00052; gnomAD 0.00068 and 0.00076.
gnomAD v4.1: 204 of 1,554,338 alleles (0.013%); highest among the groups gnomAD compares: African/African-American, 0.23%; no homozygotes.

Submissions (3):

Labcorp Genetics (formerly Invitae), Labcorp
Classification: Likely benign. Last evaluated: 2025-09-22. Review status: criteria provided, single submitter. Criteria: Invitae Variant Classification Sherloc (09022015). Collection method: clinical testing. Allele origin: germline.

CeGaT Center for Human Genetics Tuebingen
Classification: Likely benign. Last evaluated: 2024-08-01. Review status: criteria provided, single submitter. Criteria: CeGaT Center For Human Genetics Tuebingen Variant Classification Criteria Version 2. Collection method: clinical testing. Allele origin: germline. Affected: yes. Observed: 2 variant alleles.
Comment: KMT2B: BP4, BS1

PreventionGenetics, part of Exact Sciences
Classification: Likely benign for KMT2B-related condition. Last evaluated: 2019-09-17. Review status: no assertion criteria provided. Collection method: clinical testing. Allele origin: germline. Not counted in ClinVar's aggregate classification.
Comment: This variant is classified as likely benign based on ACMG/AMP sequence variant interpretation guidelines (Richards et al. 2015 PMID: 25741868, with internal and published modifications).